The following is an entry in ClinVar:

ClinVar aggregate classification (germline): Benign (1 of 4 stars; one submission).

Conditions:
Platelet-type bleeding disorder 9 (BDPLT9). Also called: GLYCOPROTEIN Ia DEFICIENCY; GP Ia DEFICIENCY; COLLAGEN PLATELET RECEPTOR DEFICIENCY. Identifiers: Orphanet 73271, Orphanet 98886, MedGen C3280114, MONDO:0013622, OMIM 614200.

Allele frequency attached by ClinVar (database versions not stated): gnomAD 0.00036; TOPMed 0.00040; 1000 Genomes Project 0.00120; 1000 Genomes Project 30x 0.00156.

Submission:

Illumina Laboratory Services, Illumina
Classification: Benign for Platelet-type bleeding disorder 9. Last evaluated: 2018-01-13. Review status: criteria provided, single submitter. Criteria: ICSL Variant Classification Criteria 13 December 2019. Collection method: clinical testing. Allele origin: germline.
Comment: This variant was observed in the ICSL laboratory as part of a predisposition screen in an ostensibly healthy population. It had not been previously curated by ICSL or reported in the Human Gene Mutation Database (HGMD: prior to June 1st, 2018), and was therefore a candidate for classification through an automated scoring system. Utilizing variant allele frequency, disease prevalence and penetrance estimates, and inheritance mode, an automated score was calculated to assess if this variant is too frequent to cause the disease. Based on the score and internal cut-off values, a variant classified as benign is not then subjected to further curation. The score for this variant resulted in a classification of benign for this disease.

NM_002203.4(ITGA2):c.*2064C>T

Gene: ITGA2 (integrin subunit alpha 2; plus strand). Cytogenetic location: 5q11.2.
Variant type: single nucleotide variant.
Coding change: c.*2064C>T on transcript NM_002203.4 (MANE Select); 2064 bases downstream of the stop codon, C replaced by T.
Molecular consequence: 3 prime UTR variant. On other transcripts: non-coding transcript variant (5).
Genome position (GRCh38, 1-based): chr5:53,092,663, C>T. VCF-style: chr5-53092663-C-T. GRCh37 (hg19) VCF-style: chr5-52388493-C-T.
Identifiers: ClinVar variation 907027 (VCV000907027.4), dbSNP rs201170451, ClinGen allele CA118880941.